The following is an entry in ClinVar:

ClinVar aggregate classification (germline): Uncertain significance (1 of 4 stars; one submission).

Conditions:
Neurodevelopmental disorder with or without variable movement or behavioral abnormalities (NEDMAB). Identifiers: MedGen C5676908, MONDO:0859225, OMIM 619725.

gnomAD v4.1: 7 of 1,574,304 alleles (0.00044%); highest among the groups gnomAD compares: Non-Finnish European, 0.0006%; no homozygotes.

Submission:

Pittsburgh Clinical Genomics Laboratory, University of Pittsburgh Medical Center
Classification: Uncertain significance for Neurodevelopmental disorder with or without variable movement or behavioral abnormalities. Last evaluated: 2024-01-25. Review status: criteria provided, single submitter. Criteria: ACMG Guidelines, 2015. Collection method: clinical testing. Allele origin: germline. Inheritance: Autosomal dominant inheritance. Affected: yes.
Comment: This sequence variant is a single nucleotide substitution (C>G) at position 781 of the coding sequence of the KCNN2 gene that results in a proline to alanine amino acid change at residue 261 of the potassium calcium-activated channel subfamily N member 2 protein. The 261 residue falls in segment 4 of the transmembrane domain (Uniprot). This variant is absent from ClinVar and has not been observed in an individual with a KCNN2-related disorder in the published literature, to our knowledge. This variant is present in the gnomAD population database (7 of 1,435,778 alleles, 0.0005%). Multiple bioinformatic tools predict that this amino acid change would be neutral, and the Pro261 residue at this position is highly conserved across the vertebrate species examined. Studies examining the functional consequence of this variant have not been published, to our knowledge. At this time, there is insufficient evidence to determine if this variant is pathogenic or benign. Therefore, we consider this a variant of uncertain significance. ACMG Criteria: BP4, PM2

NM_021614.4(KCNN2):c.781C>G (p.Pro261Ala)

Gene: KCNN2 (potassium calcium-activated channel subfamily N member 2; plus strand). Cytogenetic location: 5q22.3.
Variant type: single nucleotide variant.
Coding change: c.781C>G on transcript NM_021614.4 (MANE Select); coding-DNA position 781, C replaced by G.
Protein change: p.Pro261Ala; replaces proline 261 with alanine.
Molecular consequence: missense variant. On other transcripts: non-coding transcript variant (1).
Genome position (GRCh38, 1-based): chr5:114,362,920, C>G. VCF-style: chr5-114362920-C-G. GRCh37 (hg19) VCF-style: chr5-113698617-C-G.
Other names: c.979C>G, p.Pro327Ala (NM_001372233.1); short protein forms P261A, P327A.
Identifiers: ClinVar variation 3376381 (VCV003376381.1).